The following is an entry in ClinVar:

NM_002941.4(ROBO1):c.3503_3505dup (p.Gly1168dup)

Gene: ROBO1 (roundabout guidance receptor 1; minus strand). Cytogenetic location: 3p12.3.
Variant type: Duplication.
Coding change: c.3503_3505dup on transcript NM_002941.4 (MANE Select); coding-DNA positions 3503 to 3505, 3 bases duplicated (GGG; older notation c.3503_3505dupGGG).
Protein change: p.Gly1168dup; duplicates glycine 1168.
Molecular consequence: inframe insertion.
Genome position (GRCh38, 1-based): chr3:78,631,282-78,631,284, CCC duplicated on the plus strand (GGG on the coding strand, the reverse complement: ROBO1 is on the minus strand); duplicating any 3 consecutive bases within chr3:78,631,282-78,631,285 gives the same sequence; the c. name uses the placement nearest the transcript's 3' end. VCF-style (leftmost placement, unchanged base first): chr3-78631281-G-GCCC. GRCh37 (hg19) VCF-style: chr3-78680431-G-GCCC.
Other names: c.3503_3505dupGGG (NM_002941.3); c.3203_3205dup, p.Gly1068dup (NM_001145845.2); c.3368_3370dup, p.Gly1123dup (NM_133631.4).
Identifiers: ClinVar variation 560281 (VCV000560281.32), dbSNP rs148625921, ClinGen allele CA2498333.

ClinVar aggregate classification (germline): Conflicting classifications of pathogenicity. Review status: criteria provided, conflicting classifications (1 of 4 stars). 5 submissions from 5 submitters: Uncertain significance (2); Likely benign (2). 1 of the submissions does not count toward it. Last evaluated 2026-09-01.

Conditions:
Abnormal heart morphology. Also called: Abnormality of cardiac morphology; Heart, malformation of. Identifiers: MedGen C0018798, MeSH D006330, HP:0001627.
ROBO1-related disorder. Also called: ROBO1-related condition.

Submissions (5):

CeGaT Center for Human Genetics Tuebingen
Classification: Likely benign. Last evaluated: 2026-09-01. Review status: criteria provided, single submitter. Criteria: CeGaT Center For Human Genetics Tuebingen Variant Classification Criteria Version 2. Collection method: clinical testing. Allele origin: germline. Affected: yes. Observed: 7 variant alleles.
Comment: ROBO1: PM4:Supporting, BS2

Labcorp Genetics (formerly Invitae), Labcorp
Classification: Likely benign. Last evaluated: 2025-11-06. Review status: criteria provided, single submitter. Criteria: Invitae Variant Classification Sherloc (09022015). Collection method: clinical testing. Allele origin: germline.

Institute of Human Genetics, University of Leipzig Medical Center
Classification: Uncertain significance for Abnormal heart morphology. Last evaluated: 2021-01-09. Review status: criteria provided, single submitter. Criteria: ACMG Guidelines, 2015. Collection method: curation. Allele origin: germline. Inheritance: Autosomal dominant inheritance. Affected: yes.
Comment: This variant was reported as 3:78680431 ROBO1 c.3503_3505dupGGG G1168dup ENST00000464233 in an individual (Nicolaou_ROBO1_Individual2) with DCS, VUR (PMID: 26489027 (nicolaou2016)). Inheritance was reported as dominant (heterozygous) (NA). The variant was reviewed according to current ACMG recommendations and classified as Uncertain Significance (criteria: PP3_Supporting) at the variant level; the gene-disease association is currently not established in curated databases.

Geisinger Autism and Developmental Medicine Institute, Geisinger Health System
Classification: Uncertain significance. Last evaluated: 2017-04-03. Review status: criteria provided, single submitter. Criteria: ACMG Guidelines, 2015. Collection method: provider interpretation, clinical testing. Allele origin: unknown. Observed: 1 variant allele.
Comment: The c.3503_3505dupGGG variant in the ROBO1 gene has been reported previously in at least one individual with congenital anomalies of the kidney and urinary tract (Nicolaou et al., 2016). The c.3503_3505dupGGG variant causes an in-frame duplication of a single amino acid, p.Gly1168dup. The variant is observed in 152/65,424 (0.23%) alleles from individuals of non-Finnish European background in the ExAC database. Inheritance of the variant is unknown.

PreventionGenetics, part of Exact Sciences
Classification: Likely benign for ROBO1-related condition. Last evaluated: 2022-08-10. Review status: no assertion criteria provided. Collection method: clinical testing. Allele origin: germline. Not counted in ClinVar's aggregate classification.
Comment: This variant is classified as likely benign based on ACMG/AMP sequence variant interpretation guidelines (Richards et al. 2015 PMID: 25741868, with internal and published modifications).

Literature cited by the submitters: PubMed 26489027 (cited by Institute of Human Genetics, University of Leipzig Medical Center and Geisinger Autism and Developmental Medicine Institute, Geisinger Health System); PubMed 28286008 (cited by Geisinger Autism and Developmental Medicine Institute, Geisinger Health System); PubMed 27854360 (cited by Geisinger Autism and Developmental Medicine Institute, Geisinger Health System).